The following is an entry in ClinVar:

NM_006180.6(NTRK2):c.1530G>A (p.Ser510=)

Gene: NTRK2 (neurotrophic receptor tyrosine kinase 2; plus strand). Cytogenetic location: 9q21.33.
Variant type: single nucleotide variant.
Coding change: c.1530G>A on transcript NM_006180.6 (MANE Select); coding-DNA position 1530, G replaced by A.
Protein change: p.Ser510=; no amino-acid change (serine 510 retained).
Molecular consequence: synonymous variant.
Genome position (GRCh38, 1-based): chr9:84,867,328, G>A. VCF-style: chr9-84867328-G-A. GRCh37 (hg19) VCF-style: chr9-87482243-G-A.
Other names: c.1482G>A, p.Ser494= (NM_001018064.3, NM_001018066.3, NM_001369532.1 and 2 more transcripts); c.1530G>A, p.Ser510= (NM_001018065.2, NM_001369537.1, NM_001381928.1); c.1446G>A, p.Ser482= (NM_001369534.1); c.1014G>A, p.Ser338= (NM_001369535.1); c.1062G>A, p.Ser354= (NM_001369536.1); c.1530G>A (NM_006180.4).
Identifiers: ClinVar variation 2914742 (VCV002914742.5), dbSNP rs780047361, ClinGen allele CA5105784.

ClinVar aggregate classification (germline): Likely benign. Review status: criteria provided, single submitter (1 of 4 stars). 2 submissions from 2 submitters: Likely benign (1). 1 of the submissions does not count toward it. Last evaluated 2023-12-21.

Conditions:
NTRK2-related disorder. Also called: NTRK2-related condition.

Allele frequency attached by ClinVar (database versions not stated): ExAC 0.00001; gnomAD 0.00001; gnomAD exomes 0.00001; TOPMed 0.00002.

Submissions (2):

Labcorp Genetics (formerly Invitae), Labcorp
Classification: Likely benign. Last evaluated: 2023-12-21. Review status: criteria provided, single submitter. Criteria: Invitae Variant Classification Sherloc (09022015). Collection method: clinical testing. Allele origin: germline.

PreventionGenetics, part of Exact Sciences
Classification: Likely benign for NTRK2-related condition. Last evaluated: 2023-11-29. Review status: no assertion criteria provided. Collection method: clinical testing. Allele origin: germline. Not counted in ClinVar's aggregate classification.
Comment: This variant is classified as likely benign based on ACMG/AMP sequence variant interpretation guidelines (Richards et al. 2015 PMID: 25741868, with internal and published modifications).